The following is an entry in ClinVar:

NM_022114.4(PRDM16):c.1989del (p.Glu664fs)

Gene: PRDM16 (PR/SET domain 16; plus strand). Cytogenetic location: 1p36.32.
Variant type: Deletion.
Coding change: c.1989del on transcript NM_022114.4 (MANE Select); coding-DNA position 1989, one base deleted (C; older notation c.1989delC).
Protein change: p.Glu664fs; shifts the reading frame from glutamic acid 664.
Molecular consequence: frameshift variant.
Genome position (GRCh38, 1-based): chr1:3,412,186, C deleted; the last of 2 consecutive C bases (chr1:3,412,185-3,412,186); deleting either gives the same sequence. VCF-style (leftmost placement, unchanged base first): chr1-3412184-GC-G. GRCh37 (hg19) VCF-style: chr1-3328748-GC-G.
Other names: c.1989del, p.Glu664fs (NM_199454.3); short protein forms E664fs.
Identifiers: ClinVar variation 524100 (VCV000524100.2), dbSNP rs1553176765, ClinGen allele CA658795372.
Genomic context (GRCh38, chr1:3,412,184, plus strand): 5'-GCCGAGGGCCAGCCCAAGTTTGGGGGCGGCTTGGCGCCCCCGGGGGCCCCGAACAGCGTG[GC>G]CGAGGTGCCTGTCTTCTATTCCCAGCACTCATTCTTCCCGCCACCCGACGAGCAGCTGCT-3'

ClinVar aggregate classification (germline): Likely pathogenic (1 of 4 stars; one submission).

Submission:

GeneDx
Classification: Likely pathogenic. Last evaluated: 2018-04-26. Review status: criteria provided, single submitter. Criteria: GeneDx Variant Classification (06012015). Collection method: clinical testing. Allele origin: germline. Affected: yes.
Comment: Although the c.1989delC likely pathogenic variant in the PRDM16 gene has not been reported to our knowledge, this variant causes a shift in reading frame starting at codon glutamic acid 664, changing it to an arginine, and creating a premature stop codon at position 20 of the new reading frame, denoted p.Glu664ArgfsX20. This likely pathogenic variant is expected to result in either an abnormal, truncated protein product or loss of protein from this allele through nonsense-mediated mRNA decay. Other loss of function variants in the PRDM16 gene have been reported in Human Gene Mutation Database in association with cardiomyopathy (Stenson et al., 2014), indicating that loss of function is a mechanism of disease for this gene. Furthermore, the c.1989delC variant has not been observed in large population cohorts (Lek et al., 2016). In summary, c.1989delC in the PRDM16 gene is interpreted as a likely pathogenic variant.